The following is an entry in ClinVar:

ClinVar aggregate classification (germline): Uncertain significance (1 of 4 stars; one submission).

gnomAD v4.1: 1 of 1,613,804 alleles (0.000062%); highest among the groups gnomAD compares: Non-Finnish European, 0.000085%; no homozygotes.

Submission:

Ambry Genetics
Classification: Uncertain significance. Last evaluated: 2024-11-21. Review status: criteria provided, single submitter. Criteria: Ambry Variant Classification Scheme 2023. Collection method: clinical testing. Allele origin: germline.
Comment: The p.V962L variant (also known as c.2884G>C), located in coding exon 25 of the KIF1B gene, results from a G to C substitution at nucleotide position 2884. The valine at codon 962 is replaced by leucine, an amino acid with highly similar properties. This amino acid position is conserved. In addition, this alteration is predicted to be deleterious by in silico analysis. Based on the available evidence, the clinical significance of this variant remains unclear.

NM_001365951.3(KIF1B):c.3022G>C (p.Val1008Leu)

Gene: KIF1B (kinesin family member 1B; plus strand). Cytogenetic location: 1p36.22.
Variant type: single nucleotide variant.
Coding change: c.3022G>C on transcript NM_001365951.3 (MANE Select); coding-DNA position 3022, G replaced by C.
Protein change: p.Val1008Leu; replaces valine 1008 with leucine.
Molecular consequence: missense variant.
Genome position (GRCh38, 1-based): chr1:10,334,617, G>C. VCF-style: chr1-10334617-G-C. GRCh37 (hg19) VCF-style: chr1-10394675-G-C.
Other names: c.3022G>C, p.Val1008Leu (NM_001365952.1); c.2884G>C, p.Val962Leu (NM_015074.3); short protein forms V962L, V1008L.
Identifiers: ClinVar variation 3534090 (VCV003534090.1).